The following is an entry in ClinVar:

NM_002474.3(MYH11):c.5734G>A (p.Glu1912Lys)

Genes: MYH11 (myosin heavy chain 11; minus strand), NDE1 (nudE neurodevelopment protein 1; plus strand). Cytogenetic location: 16p13.11.
Variant type: single nucleotide variant.
Coding change: c.5734G>A on transcript NM_002474.3 (MANE Select); coding-DNA position 5734, G replaced by A.
Protein change: p.Glu1912Lys; replaces glutamic acid 1912 with lysine.
Molecular consequence: missense variant. On other transcripts: intron variant (2).
Genome position (GRCh38, 1-based): chr16:15,714,961, C>T on the plus strand (G>A on the coding strand, the complement: MYH11 is on the minus strand). VCF-style: chr16-15714961-C-T. GRCh37 (hg19) VCF-style: chr16-15808818-C-T.
Other names: c.5755G>A, p.Glu1919Lys (NM_001040113.2, NM_001040114.2); c.5734G>A, p.Glu1912Lys (NM_022844.3); c.948-9230C>T (NM_001143979.2, NM_017668.3); short protein forms E1912K, E1919K.
Identifiers: ClinVar variation 1379302 (VCV001379302.8), dbSNP rs1030614126, ClinGen allele CA278593458.

ClinVar aggregate classification (germline): Uncertain significance (1 of 4 stars; one submission).

Conditions:
Aortic aneurysm, familial thoracic 4 (AAT4). Also called: AORTIC ANEURYSM/AORTIC DISSECTION AND PATENT DUCTUS ARTERIOSUS. Identifiers: MedGen C1851504, MONDO:0007568, OMIM 132900.

gnomAD v4.1: 1 of 1,614,006 alleles (0.000062%); highest among the groups gnomAD compares: Non-Finnish European, 0.000085%; no homozygotes.

Submission:

Labcorp Genetics (formerly Invitae), Labcorp
Classification: Uncertain significance for Aortic aneurysm, familial thoracic 4. Last evaluated: 2021-05-31. Review status: criteria provided, single submitter. Criteria: Invitae Variant Classification Sherloc (09022015). Collection method: clinical testing. Allele origin: germline.
Comment: This variant is not present in population databases (ExAC no frequency). This sequence change replaces glutamic acid with lysine at codon 1919 of the MYH11 protein (p.Glu1919Lys). The glutamic acid residue is highly conserved and there is a small physicochemical difference between glutamic acid and lysine. This variant has not been reported in the literature in individuals with MYH11-related conditions. In summary, the available evidence is currently insufficient to determine the role of this variant in disease. Therefore, it has been classified as a Variant of Uncertain Significance. Algorithms developed to predict the effect of missense changes on protein structure and function (SIFT, PolyPhen-2, Align-GVGD) all suggest that this variant is likely to be disruptive, but these predictions have not been confirmed by published functional studies and their clinical significance is uncertain.